The following is an entry in ClinVar:

NM_153676.4(USH1C):c.1458T>C (p.Ile486=)

Gene: USH1C (USH1 protein network component harmonin; minus strand). Cytogenetic location: 11p15.1.
Variant type: single nucleotide variant.
Coding change: c.1458T>C on transcript NM_153676.4 (MANE Select); coding-DNA position 1458, T replaced by C.
Protein change: p.Ile486=; no amino-acid change (isoleucine 486 retained).
Molecular consequence: synonymous variant. On other transcripts: intron variant (2).
Genome position (GRCh38, 1-based): chr11:17,510,477, A>G on the plus strand (T>C on the coding strand, the complement: USH1C is on the minus strand). VCF-style: chr11-17510477-A-G. GRCh37 (hg19) VCF-style: chr11-17532024-A-G.
Other names: c.1458T>C (NM_153676.3); c.1227+6924T>C (NM_001297764.2); c.1284+6924T>C (NM_005709.4).
Identifiers: ClinVar variation 1306039 (VCV001306039.5), dbSNP rs147743437, ClinGen allele CA5904547.

ClinVar aggregate classification (germline): Conflicting classifications of pathogenicity. Review status: criteria provided, conflicting classifications (1 of 4 stars). 3 submissions from 3 submitters: Uncertain significance (1); Likely benign (2). Last evaluated 2025-08-29.

Conditions:
USH1C-related disorder. Also called: USH1C-related condition.

Allele frequency attached by ClinVar (database versions not stated): gnomAD exomes 0.00002 and 0.00004; ExAC 0.00008; gnomAD 0.00019; 1000 Genomes Project 0.00020; TOPMed 0.00020; 1000 Genomes Project 30x 0.00031; ESP Exome Variant Server 0.00039.
gnomAD v4.1: 62 of 1,613,796 alleles (0.0038%); highest among the groups gnomAD compares: African/African-American, 0.073%; no homozygotes.

Submissions (3):

PreventionGenetics, part of Exact Sciences
Classification: Likely benign for USH1C-related condition. Last evaluated: 2025-08-29. Review status: criteria provided, single submitter. Criteria: ACMG Guidelines, 2015. Collection method: clinical testing. Allele origin: germline.
Comment: This variant is classified as likely benign based on ACMG/AMP sequence variant interpretation guidelines (Richards et al. 2015 PMID: 25741868, with internal and published modifications).

Blueprint Genetics
Classification: Likely benign. Last evaluated: 2022-09-08. Review status: criteria provided, single submitter. Criteria: ACMG Guidelines, 2015. Collection method: clinical testing. Allele origin: germline.

GeneDx
Classification: Uncertain significance. Last evaluated: 2022-03-11. Review status: criteria provided, single submitter. Criteria: GeneDx Variant Classification Process June 2021. Collection method: clinical testing. Allele origin: germline. Affected: yes.
Comment: Has not been previously published as pathogenic or benign to our knowledge; In silico analysis supports that this variant does not alter splicing